The following is an entry in ClinVar:

NM_001267550.2(TTN):c.92017A>T (p.Lys30673Ter)

Genes: TTN (titin; minus strand), TTN-AS1 (TTN antisense RNA 1; plus strand). Cytogenetic location: 2q31.2.
Variant type: single nucleotide variant.
Coding change: c.92017A>T on transcript NM_001267550.2 (MANE Select); coding-DNA position 92017, A replaced by T.
Protein change: p.Lys30673Ter; replaces lysine 30673 with a stop codon.
Molecular consequence: nonsense.
Genome position (GRCh38, 1-based): chr2:178,549,705, T>A on the plus strand (A>T on the coding strand, the complement: TTN is on the minus strand). VCF-style: chr2-178549705-T-A. GRCh37 (hg19) VCF-style: chr2-179414432-T-A.
Other names: c.87094A>T, p.Lys29032Ter (NM_001256850.1); c.64822A>T, p.Lys21608Ter (NM_003319.4); c.84313A>T, p.Lys28105Ter (NM_133378.4); c.65197A>T, p.Lys21733Ter (NM_133432.3); c.65398A>T, p.Lys21800Ter (NM_133437.4); short protein forms K30673*, K21800*, K21733*, K28105*, K29032*, K21608*.
Identifiers: ClinVar variation 1345432 (VCV001345432.10), dbSNP rs2154148429, ClinGen allele CA349495018.

ClinVar aggregate classification (germline): Likely pathogenic. Review status: criteria provided, multiple submitters, no conflicts (2 of 4 stars). 2 submissions from 2 submitters: Likely pathogenic (2). Last evaluated 2023-05-15.

Conditions:
Cardiovascular phenotype. Identifiers: MedGen CN230736.
Dilated cardiomyopathy 1G (CMD1G). Identifiers: Orphanet 154, MedGen C1858763, MONDO:0011400, OMIM 604145.
Autosomal recessive limb-girdle muscular dystrophy type 2J (LGMDR10). Also called: Limb-girdle muscular dystrophy, type 2J; MUSCULAR DYSTROPHY, LIMB-GIRDLE, AUTOSOMAL RECESSIVE 10. Identifiers: Orphanet 140922, MedGen C1837342, MONDO:0012127, OMIM 608807.

Submissions (2):

Labcorp Genetics (formerly Invitae), Labcorp
Classification: Likely pathogenic for Dilated cardiomyopathy 1G; Autosomal recessive limb-girdle muscular dystrophy type 2J. Last evaluated: 2023-05-15. Review status: criteria provided, single submitter. Criteria: Invitae Variant Classification Sherloc (09022015). Collection method: clinical testing. Allele origin: germline.
Comment: In summary, the currently available evidence indicates that the variant is pathogenic, but additional data are needed to prove that conclusively. Therefore, this variant has been classified as Likely Pathogenic. This variant is located in the A band of TTN (PMID: 25589632). Truncating variants in this region are significantly overrepresented in patients affected with dilated cardiomyopathy (PMID: 25589632). Truncating variants in this region have also been reported in individuals affected with autosomal recessive centronuclear myopathy (PMID: 23975875). ClinVar contains an entry for this variant (Variation ID: 1345432). This variant has not been reported in the literature in individuals affected with TTN-related conditions. This variant is not present in population databases (gnomAD no frequency). This sequence change creates a premature translational stop signal (p.Lys30673*) in the TTN gene. While this is not anticipated to result in nonsense mediated decay, it is expected to create a truncated TTN protein.

Ambry Genetics
Classification: Likely pathogenic for Cardiovascular phenotype. Last evaluated: 2022-04-15. Review status: criteria provided, single submitter. Criteria: Ambry Variant Classification Scheme 2023. Collection method: clinical testing. Allele origin: germline.
Comment: The p.K21608* variant (also known as c.64822A>T), located in coding exon 165 of the TTN gene, results from an A to T substitution at nucleotide position 64822. This changes the amino acid from a lysine to a stop codon within coding exon 165. This exon is located in the A-band region of the N2-B isoform of the titin protein and is constitutively expressed in TTN transcripts (percent spliced in or PSI 100%). This variant is considered to be rare based on population cohorts in the Genome Aggregation Database (gnomAD). This alteration is expected to result in loss of function by premature protein truncation or nonsense-mediated mRNA decay. While truncating variants in TTN are present in 1-3% of the general population, truncating variants in the A-band are the most common cause of dilated cardiomyopathy (DCM) (Herman DS et al. N. Engl. J. Med., 2012 Feb;366:619-28; Roberts AM et al. Sci Transl Med, 2015 Jan;7:270ra6). TTN truncating variants encoded in constitutive exons (PSI >90%) have been found to be significantly associated with DCM regardless of their position in titin (Schafer S et al. Nat. Genet., 2017 01;49:46-53). As such, this alteration is classified as likely pathogenic.

Literature cited by the submitters: PubMed 25589632 (cited by Labcorp Genetics (formerly Invitae), Labcorp); PubMed 23975875 (cited by Labcorp Genetics (formerly Invitae), Labcorp).